The following is an entry in ClinVar:

ClinVar aggregate classification (germline): Pathogenic. Review status: reviewed by expert panel (3 of 4 stars). 5 submissions from 5 submitters: Pathogenic (1). 4 of the submissions do not count toward it. Last evaluated 2016-09-08.

Conditions:
Hereditary cancer-predisposing syndrome. Also called: Hereditary Cancer Syndrome; Hereditary neoplastic syndrome; Neoplastic Syndromes, Hereditary; Tumor predisposition. Identifiers: Orphanet 140162, MedGen C0027672, MeSH D009386, MONDO:0015356.
Breast-ovarian cancer, familial, susceptibility to, 1 (BROVCA1). Also called: BRCA1 Hereditary Breast and Ovarian Cancer; OVARIAN CANCER, SUSCEPTIBILITY TO. Identifiers: Orphanet 145, MedGen C2676676, MONDO:0011450, OMIM 604370. Disease mechanism: loss of function.
Hereditary breast ovarian cancer syndrome. Also called: BRCA1- and BRCA2-Associated Hereditary Breast and Ovarian Cancer; Hereditary breast and ovarian cancer syndrome; Hereditary breast and ovarian cancer syndrome (HBOC); Breast and ovarian cancer; Hereditary breast and/or ovarian cancer syndrome; Hereditary breast and ovarian cancer. Identifiers: Orphanet 145, MedGen C0677776, MeSH D061325, MONDO:0003582. Disease mechanism: loss of function.

Submissions (5):

Evidence-based Network for the Interpretation of Germline Mutant Alleles (ENIGMA)
Classification: Pathogenic for Breast-ovarian cancer, familial, susceptibility to, 1. Last evaluated: 2016-09-08. Review status: reviewed by expert panel. Criteria: ENIGMA BRCA1/2 Classification Criteria (2015). Collection method: curation. Allele origin: germline.
Comment: Variant allele predicted to encode a truncated non-functional protein.

Ambry Genetics
Classification: Pathogenic for Hereditary cancer-predisposing syndrome. Last evaluated: 2025-05-09. Review status: criteria provided, single submitter. Criteria: Ambry Variant Classification Scheme 2023. Collection method: clinical testing. Allele origin: germline. Not counted in ClinVar's aggregate classification.
Comment: The c.809delA pathogenic mutation, located in coding exon 9 of the BRCA1 gene, results from a deletion of one nucleotide at nucleotide position 809, causing a translational frameshift with a predicted alternate stop codon (p.H270Lfs*28). This variant was reported in individual(s) with features consistent with BRCA1-related cancer predisposition (Mannan AU et al. J Hum Genet, 2016 Jun;61:515-22; Singh J et al. Breast Cancer Res Treat, 2018 Jul;170:189-196; Abdel-Razeq H et al. Sci Rep, 2021 Jul;11:14906). This variant is considered to be rare based on population cohorts in the Genome Aggregation Database (gnomAD). In addition to the clinical data presented in the literature, this alteration is expected to result in loss of function by premature protein truncation or nonsense-mediated mRNA decay. As such, this alteration is interpreted as a disease-causing mutation.

Labcorp Genetics (formerly Invitae), Labcorp
Classification: Pathogenic for Hereditary breast ovarian cancer syndrome. Last evaluated: 2020-01-13. Review status: criteria provided, single submitter. Criteria: Invitae Variant Classification Sherloc (09022015). Collection method: clinical testing. Allele origin: germline. Not counted in ClinVar's aggregate classification.
Comment: Loss-of-function variants in BRCA1 are known to be pathogenic (PMID: 20104584). For these reasons, this variant has been classified as Pathogenic. This sequence change creates a premature translational stop signal (p.His270Leufs*28) in the BRCA1 gene. It is expected to result in an absent or disrupted protein product. This variant is not present in population databases (ExAC no frequency). This variant has been observed in individual(s) with breast and/or ovarian cancer (PMID: 26911350). ClinVar contains an entry for this variant (Variation ID: 55714).

Quest Diagnostics Nichols Institute San Juan Capistrano
Classification: Pathogenic. Last evaluated: 2019-03-13. Review status: criteria provided, single submitter. Criteria: Quest Diagnostics criteria. Collection method: clinical testing. Allele origin: germline. Not counted in ClinVar's aggregate classification.
Comment: The variant results in a shift of the reading frame, and is therefore predicted to result in the loss of a functional protein. Found in at least one symptomatic patient in the literature. Not found in general population data.

Breast Cancer Information Core (BIC) (BRCA1)
Classification: Pathogenic for Breast-ovarian cancer, familial 1. Last evaluated: 2001-10-29. Review status: no assertion criteria provided. Collection method: clinical testing. Allele origin: germline. Affected: yes. Observed: 1 variant allele. Not counted in ClinVar's aggregate classification.

Literature cited by the submitters: PubMed 26911350 (cited by 3 submitters); PubMed 29470806 (cited by Ambry Genetics and Quest Diagnostics Nichols Institute San Juan Capistrano); PubMed 34290354 (cited by Ambry Genetics); PubMed 20104584 (cited by Labcorp Genetics (formerly Invitae), Labcorp).

NM_007294.4(BRCA1):c.809del (p.His270fs)

Gene: BRCA1 (BRCA1 DNA repair associated; minus strand). Cytogenetic location: 17q21.31.
Variant type: Deletion.
Coding change: c.809del on transcript NM_007294.4 (MANE Select); coding-DNA position 809, one base deleted (A; older notation c.809delA).
Protein change: p.His270fs; shifts the reading frame from histidine 270.
Molecular consequence: frameshift variant. On other transcripts: intron variant (137), 5 prime UTR variant (2).
Genome position (GRCh38, 1-based): chr17:43,094,722, T deleted on the plus strand (A on the coding strand, the reverse complement: BRCA1 is on the minus strand). VCF-style (leftmost placement, unchanged base first): chr17-43094721-AT-A. GRCh37 (hg19) VCF-style: chr17-41246738-AT-A.
Other names: 928delA; c.520+22del (NM_001408503.1, NM_001408505.1, NM_001408504.1); c.523+22del (NM_001408500.1, NM_001408497.1, NM_001408496.1 and 3 more transcripts); c.646+22del (NM_001408466.1, NM_001408452.1, NM_001408457.1 and 11 more transcripts); c.787+22del (NM_001407973.1, NM_001408403.1, NM_001407983.1 and 19 more transcripts); c.404-3690del (NM_001408511.1); c.460+1124del (NM_001408507.1, NM_001408506.1); c.545-3690del (NM_001408495.1); and 42 more; short protein forms H223fs, H270fs, H143fs, H158fs, H181fs, H200fs, H228fs, H142fs.
Identifiers: ClinVar variation 55714 (VCV000055714.17), dbSNP rs80357965, ClinGen allele CA003894.